The following is an entry in ClinVar:

NM_000553.6(WRN):c.725-2A>G

Gene: WRN (WRN RecQ like helicase; plus strand). Cytogenetic location: 8p12.
Variant type: single nucleotide variant.
Coding change: c.725-2A>G on transcript NM_000553.6 (MANE Select); the canonical splice acceptor site of the intron before coding-DNA position 725, A replaced by G.
Molecular consequence: splice acceptor variant.
Genome position (GRCh38, 1-based): chr8:31,076,171, A>G. VCF-style: chr8-31076171-A-G. GRCh37 (hg19) VCF-style: chr8-30933687-A-G.
Identifiers: ClinVar variation 2017743 (VCV002017743.4), dbSNP rs2535901752, ClinGen allele CA370918282.

ClinVar aggregate classification (germline): Likely pathogenic (1 of 4 stars; one submission).

Conditions:
Werner syndrome (WRN). Identifiers: Orphanet 902, MedGen C0043119, MONDO:0010196, OMIM 277700.

Allele frequency attached by ClinVar (database versions not stated): gnomAD exomes below 0.00001.
gnomAD v4.1: 2 of 1,610,616 alleles (0.00012%); highest among the groups gnomAD compares: Non-Finnish European, 0.00017%; no homozygotes.

Submission:

Labcorp Genetics (formerly Invitae), Labcorp
Classification: Likely pathogenic for Werner syndrome. Last evaluated: 2023-06-09. Review status: criteria provided, single submitter. Criteria: Invitae Variant Classification Sherloc (09022015). Collection method: clinical testing. Allele origin: germline.
Comment: This sequence change affects an acceptor splice site in intron 7 of the WRN gene. It is expected to disrupt RNA splicing. Variants that disrupt the donor or acceptor splice site typically lead to a loss of protein function (PMID: 16199547), and loss-of-function variants in WRN are known to be pathogenic (PMID: 16673358). In summary, the currently available evidence indicates that the variant is pathogenic, but additional data are needed to prove that conclusively. Therefore, this variant has been classified as Likely Pathogenic. Algorithms developed to predict the effect of sequence changes on RNA splicing suggest that this variant may disrupt the consensus splice site. ClinVar contains an entry for this variant (Variation ID: 2017743). This variant has not been reported in the literature in individuals affected with WRN-related conditions. This variant is not present in population databases (gnomAD no frequency).

Literature cited by the submitters: PubMed 16199547; PubMed 16673358.